The following is an entry in ClinVar:

NM_004415.4(DSP):c.1815_1820dup (p.Lys607_Ile608insArgLys)

Gene: DSP (desmoplakin; plus strand). Cytogenetic location: 6p24.3.
Variant type: Duplication.
Coding change: c.1815_1820dup on transcript NM_004415.4 (MANE Select); coding-DNA positions 1815 to 1820, 6 bases duplicated (GCGGAA; older notation c.1815_1820dupGCGGAA).
Protein change: p.Lys607_Ile608insArgLys.
Molecular consequence: inframe insertion.
Genome position (GRCh38, 1-based): chr6:7,571,496-7,571,501, GCGGAA duplicated; duplicating any 6 consecutive bases within chr6:7,571,494-7,571,501 gives the same sequence; the c. name uses the placement nearest the transcript's 3' end. VCF-style (leftmost placement, unchanged base first): chr6-7571493-C-CAAGCGG. GRCh37 (hg19) VCF-style: chr6-7571726-C-CAAGCGG.
Other names: c.1815_1820dup, p.Lys607_Ile608insArgLys (NM_001008844.3, NM_001319034.2).
Identifiers: ClinVar variation 2953787 (VCV002953787.3), dbSNP rs2533894245, ClinGen allele CA2740094261.
Genomic context (GRCh38, chr6:7,571,493, plus strand): 5'-GTTACATTACCAAGAGTTCATCAGAAATAGCCAAGGCTCAGAGATGTTTGGAGATGATGA[C>CAAGCGG]AAGCGGAAAATACAGTCTCAGTTCACCGATGCCCAGAAGCATTACCAGACCCTGGTCATT-3'

ClinVar aggregate classification (germline): Uncertain significance (1 of 4 stars; one submission).

Conditions:
Arrhythmogenic cardiomyopathy with wooly hair and keratoderma. Also called: PALMOPLANTAR KERATODERMA WITH LEFT VENTRICULAR CARDIOMYOPATHY AND WOOLLY HAIR; Carvajal syndrome; Arrhythmogenic cardiomyopathy with woolly hair and keratoderma; Dilated cardiomyopathy with woolly hair and keratoderma. Identifiers: Orphanet 65282, MedGen C1854063, MONDO:0011581, OMIM 605676.
Arrhythmogenic right ventricular dysplasia 8 (ARVD8). Also called: Arrhythmogenic Right Ventricular Dysplasia/Cardiomyopathy 8; ARRHYTHMOGENIC RIGHT VENTRICULAR DYSPLASIA, FAMILIAL, 8; ARRHYTHMOGENIC RIGHT VENTRICULAR CARDIOMYOPATHY 8. Identifiers: MedGen C1843896, MONDO:0011831, OMIM 607450.

Submission:

Labcorp Genetics (formerly Invitae), Labcorp
Classification: Uncertain significance for Arrhythmogenic cardiomyopathy with wooly hair and keratoderma; Arrhythmogenic right ventricular dysplasia 8. Last evaluated: 2023-11-14. Review status: criteria provided, single submitter. Criteria: Invitae Variant Classification Sherloc (09022015). Collection method: clinical testing. Allele origin: germline.
Comment: This variant, c.1815_1820dup, results in the insertion of 2 amino acid(s) of the DSP protein (p.Arg606_Lys607dup), but otherwise preserves the integrity of the reading frame. This variant is not present in population databases (gnomAD no frequency). This variant has not been reported in the literature in individuals affected with DSP-related conditions. In summary, the available evidence is currently insufficient to determine the role of this variant in disease. Therefore, it has been classified as a Variant of Uncertain Significance.